The following is an entry in ClinVar:

ClinVar aggregate classification (germline): Uncertain significance (1 of 4 stars; one submission).

Conditions:
JARID2-related disorder. Also called: JARID2-related condition.

Submission:

PreventionGenetics, part of Exact Sciences
Classification: Uncertain significance for JARID2-related condition. Last evaluated: 2023-09-01. Review status: criteria provided, single submitter. Criteria: ACMG Guidelines, 2015. Collection method: clinical testing. Allele origin: germline.
Comment: The JARID2 c.488T>C variant is predicted to result in the amino acid substitution p.Leu163Pro. To our knowledge, this variant has not been reported in the literature or in a large population database, indicating this variant is rare. Although we suspect that this variant may be pathogenic, at this time, the clinical significance of this variant is uncertain due to the absence of conclusive functional and genetic evidence.

NM_004973.4(JARID2):c.488T>C (p.Leu163Pro)

Gene: JARID2 (jumonji and AT-rich interaction domain containing 2; plus strand). Cytogenetic location: 6p22.3.
Variant type: single nucleotide variant.
Coding change: c.488T>C on transcript NM_004973.4 (MANE Select); coding-DNA position 488, T replaced by C.
Protein change: p.Leu163Pro; replaces leucine 163 with proline.
Molecular consequence: missense variant. On other transcripts: 5 prime UTR variant (1).
Genome position (GRCh38, 1-based): chr6:15,452,170, T>C. VCF-style: chr6-15452170-T-C. GRCh37 (hg19) VCF-style: chr6-15452401-T-C.
Other names: c.-29T>C (NM_001267040.1); short protein forms L163P.
Identifiers: ClinVar variation 2631027 (VCV002631027.1), dbSNP rs2482162282, ClinGen allele CA362869488.
Genomic context (GRCh38, chr6:15,452,170, plus strand): 5'-AGATATCAGACCTCTCTAAAAGGAAGCCTAAGACAGAAGATTTTCTTACCTTTCTCTGCC[T>C]TCGAGGTAAGACTTTGCAACCATCGGCGGAGGTCTACGTGGAATCTACATGTAAGCCTGA-3'
Protein context (NP_004964.2, residues 153-173): KTEDFLTFLC[Leu163Pro]RGSPALPNSM